The following is an entry in ClinVar:

ClinVar aggregate classification (germline): Uncertain significance. Review status: criteria provided, multiple submitters, no conflicts (2 of 4 stars). 2 submissions from 2 submitters: Uncertain significance (2). Last evaluated 2024-01-18.

Conditions:
Inborn genetic diseases. Identifiers: MedGen C0950123, MeSH D030342.
Lower motor neuron syndrome with late-adult onset (SMAJ). Also called: Spinal muscular atrophy, Jokela type; Late-Onset Spinal Motor Neuronopathy (SMAJ). Identifiers: Orphanet 276435, MedGen C3554398, MONDO:0014025, OMIM 615048.
Frontotemporal dementia and/or amyotrophic lateral sclerosis 2. Also called: FTDALS2. Identifiers: Orphanet 275872, MedGen C4014648, MONDO:0014395, OMIM 615911.
Autosomal dominant mitochondrial myopathy with exercise intolerance (IMMD). Also called: Myopathy, isolated mitochondrial, autosomal dominant. Identifiers: Orphanet 457050, MedGen C4015513, MONDO:0014532, OMIM 616209.

Allele frequency attached by ClinVar (database versions not stated): TOPMed 0.00001; gnomAD 0.00001.
gnomAD v4.1: 8 of 1,391,974 alleles (0.00057%); highest among the groups gnomAD compares: East Asian, 0.012%; no homozygotes.

Submissions (2):

Labcorp Genetics (formerly Invitae), Labcorp
Classification: Uncertain significance for Lower motor neuron syndrome with late-adult onset; Frontotemporal dementia and/or amyotrophic lateral sclerosis 2; Autosomal dominant mitochondrial myopathy with exercise intolerance. Last evaluated: 2024-01-18. Review status: criteria provided, single submitter. Criteria: Invitae Variant Classification Sherloc (09022015). Collection method: clinical testing. Allele origin: germline.
Comment: This sequence change replaces proline, which is neutral and non-polar, with serine, which is neutral and polar, at codon 27 of the CHCHD10 protein (p.Pro27Ser). This variant is present in population databases (no rsID available, gnomAD 0.06%). This variant has not been reported in the literature in individuals affected with CHCHD10-related conditions. ClinVar contains an entry for this variant (Variation ID: 1397008). Experimental studies and prediction algorithms are not available or were not evaluated, and the functional significance of this variant is currently unknown. In summary, the available evidence is currently insufficient to determine the role of this variant in disease. Therefore, it has been classified as a Variant of Uncertain Significance.

Ambry Genetics
Classification: Uncertain significance for Inborn genetic diseases. Last evaluated: 2023-12-17. Review status: criteria provided, single submitter. Criteria: Ambry Variant Classification Scheme 2023. Collection method: clinical testing. Allele origin: germline.

NM_213720.3(CHCHD10):c.79C>T (p.Pro27Ser)

Gene: CHCHD10 (coiled-coil-helix-coiled-coil-helix domain containing 10; minus strand). Cytogenetic location: 22q11.23.
Variant type: single nucleotide variant.
Coding change: c.79C>T on transcript NM_213720.3 (MANE Select); coding-DNA position 79, C replaced by T.
Protein change: p.Pro27Ser; replaces proline 27 with serine.
Molecular consequence: missense variant.
Genome position (GRCh38, 1-based): chr22:23,767,556, G>A on the plus strand (C>T on the coding strand, the complement: CHCHD10 is on the minus strand). VCF-style: chr22-23767556-G-A. GRCh37 (hg19) VCF-style: chr22-24109743-G-A.
Other names: c.79C>T (NM_213720.1); c.79C>T, p.Pro27Ser (NM_001301339.2); short protein forms P27S.
Identifiers: ClinVar variation 1397008 (VCV001397008.9), dbSNP rs1297070374, ClinGen allele CA410916880.